The following is an entry in ClinVar:

NM_033026.6(PCLO):c.2510G>A (p.Ser837Asn)

Gene: PCLO (piccolo presynaptic cytomatrix protein; minus strand). Cytogenetic location: 7q21.11.
Variant type: single nucleotide variant.
Coding change: c.2510G>A on transcript NM_033026.6 (MANE Select); coding-DNA position 2510, G replaced by A.
Protein change: p.Ser837Asn; replaces serine 837 with asparagine.
Molecular consequence: missense variant.
Genome position (GRCh38, 1-based): chr7:83,135,040, C>T on the plus strand (G>A on the coding strand, the complement: PCLO is on the minus strand). VCF-style: chr7-83135040-C-T. GRCh37 (hg19) VCF-style: chr7-82764356-C-T.
Other names: c.2510G>A, p.Ser837Asn (NM_014510.3); short protein forms S837N.
Identifiers: ClinVar variation 3014680 (VCV003014680.3), dbSNP rs778640049, ClinGen allele CA4321250.
Genomic context (GRCh38, chr7:83,135,040, plus strand): 5'-TTCTTGGGTTCTTCCTTCTTTTGTACGGGGTCAACTTGTTTTTGACCTTTGCTCTCTGAA[C>T]TGGGACCAGGATGTGAAATAATTTTTGAATCTGATGCAGGTCGAGGTATGGCTTTAGAAT-3'
Protein context (NP_149015.2, residues 827-847): DSKIISHPGP[Ser837Asn]SESKGQKQVD

ClinVar aggregate classification (germline): Uncertain significance (1 of 4 stars; one submission).

Allele frequency attached by ClinVar (database versions not stated): ExAC 0.00001.
gnomAD v4.1: 2 of 1,613,934 alleles (0.00012%); highest among the groups gnomAD compares: East Asian, 0.0045%; no homozygotes.

Submission:

Labcorp Genetics (formerly Invitae), Labcorp
Classification: Uncertain significance. Last evaluated: 2023-11-17. Review status: criteria provided, single submitter. Criteria: Invitae Variant Classification Sherloc (09022015). Collection method: clinical testing. Allele origin: germline.
Comment: This sequence change replaces serine, which is neutral and polar, with asparagine, which is neutral and polar, at codon 837 of the PCLO protein (p.Ser837Asn). This variant is present in population databases (rs778640049, gnomAD 0.006%). This variant has not been reported in the literature in individuals affected with PCLO-related conditions. Experimental studies and prediction algorithms are not available or were not evaluated, and the functional significance of this variant is currently unknown. In summary, the available evidence is currently insufficient to determine the role of this variant in disease. Therefore, it has been classified as a Variant of Uncertain Significance.